The following is an entry in ClinVar:

ClinVar aggregate classification (germline): Likely pathogenic (1 of 4 stars; one submission).

Submission:

Labcorp Genetics (formerly Invitae), Labcorp
Classification: Likely pathogenic. Last evaluated: 2023-10-05. Review status: criteria provided, single submitter. Criteria: Invitae Variant Classification Sherloc (09022015). Collection method: clinical testing. Allele origin: germline.
Comment: This sequence change affects an acceptor splice site in intron 9 of the HPS3 gene. It is expected to disrupt RNA splicing. Variants that disrupt the donor or acceptor splice site typically lead to a loss of protein function (PMID: 16199547), and loss-of-function variants in HPS3 are known to be pathogenic (PMID: 11590544). This variant is not present in population databases (gnomAD no frequency). This variant has not been reported in the literature in individuals affected with HPS3-related conditions. Algorithms developed to predict the effect of sequence changes on RNA splicing suggest that this variant may disrupt the consensus splice site. In summary, the currently available evidence indicates that the variant is pathogenic, but additional data are needed to prove that conclusively. Therefore, this variant has been classified as Likely Pathogenic.

Literature cited by the submitters: PubMed 16199547; PubMed 11590544.

NM_032383.5(HPS3):c.1692-2A>C

Gene: HPS3 (HPS3 biogenesis of lysosomal organelles complex 2 subunit 1; plus strand). Cytogenetic location: 3q24.
Variant type: single nucleotide variant.
Coding change: c.1692-2A>C on transcript NM_032383.5 (MANE Select); the canonical splice acceptor site of the intron before coding-DNA position 1692, A replaced by C.
Molecular consequence: splice acceptor variant.
Genome position (GRCh38, 1-based): chr3:149,158,664, A>C. VCF-style: chr3-149158664-A-C. GRCh37 (hg19) VCF-style: chr3-148876451-A-C.
Other names: c.1197-2A>C (NM_001308258.2).
Identifiers: ClinVar variation 2763414 (VCV002763414.3), dbSNP rs2473109713, ClinGen allele CA354922247.